The following is an entry in ClinVar:

NM_002180.3(IGHMBP2):c.181G>A (p.Gly61Arg)

Gene: IGHMBP2 (immunoglobulin mu DNA binding protein 2; plus strand). Cytogenetic location: 11q13.3.
Variant type: single nucleotide variant.
Coding change: c.181G>A on transcript NM_002180.3 (MANE Select); coding-DNA position 181, G replaced by A.
Protein change: p.Gly61Arg; replaces glycine 61 with arginine.
Molecular consequence: missense variant.
Genome position (GRCh38, 1-based): chr11:68,906,163, G>A. VCF-style: chr11-68906163-G-A. GRCh37 (hg19) VCF-style: chr11-68673631-G-A.
Other names: short protein forms G61R.
Identifiers: ClinVar variation 374170 (VCV000374170.14), dbSNP rs1057518943, ClinGen allele CA16043462.
Genomic context (GRCh38, chr11:68,906,163, plus strand): 5'-CAGAGCCGAGGCGTGTGTTTGCTGAAGCTGCAGGTATCCAGCCAGCGCACTGGGCTGTAC[G>A]GACGGCTGCTGGTCACCTTTGAGCCCAGGCGATACGGGTCCGCGGCAGCTCTTCCCAGTA-3'
Protein context (NP_002171.2, residues 51-71): QVSSQRTGLY[Gly61Arg]RLLVTFEPRR

ClinVar aggregate classification (germline): Conflicting classifications of pathogenicity. Review status: criteria provided, conflicting classifications (1 of 4 stars). 4 submissions from 4 submitters: Likely pathogenic (2); Uncertain significance (2). Last evaluated 2024-03-20.

Conditions:
Autosomal recessive distal spinal muscular atrophy 1. Also called: NEURONOPATHY, DISTAL HEREDITARY MOTOR, HARDING TYPE VI; NEUROPATHY, DISTAL HEREDITARY MOTOR, AUTOSOMAL RECESSIVE 1; HMN VI; NEURONOPATHY, SEVERE INFANTILE AXONAL, WITH RESPIRATORY FAILURE; SEVERE INFANTILE AXONAL NEUROPATHY WITH RESPIRATORY FAILURE; SPINAL MUSCULAR ATROPHY, DIAPHRAGMATIC. Identifiers: Orphanet 98920, MedGen C1858517, MONDO:0011436, OMIM 604320.
Charcot-Marie-Tooth disease axonal type 2S. Also called: CHARCOT-MARIE-TOOTH DISEASE, AXONAL, AUTOSOMAL RECESSIVE, TYPE 2S; CHARCOT-MARIE-TOOTH NEUROPATHY, TYPE 2S. Identifiers: Orphanet 443073, MedGen C4015349, MONDO:0014511, OMIM 616155.
Hammertoe. Identifiers: MedGen C1136179, HP:0001765.
Progressive muscle weakness. Identifiers: MedGen C0240421, HP:0003323.
Lower limb muscle weakness. Identifiers: MedGen C1836296, HP:0007340.
Difficulty walking. Identifiers: MedGen C0311394.
Inability to walk. Identifiers: MedGen C0560046, HP:0002540.

gnomAD v4.1: 18 of 1,614,072 alleles (0.0011%); highest among the groups gnomAD compares: Admixed American, 0.0067%; no homozygotes.

Submissions (4):

Fulgent Genetics
Classification: Uncertain significance for Autosomal recessive distal spinal muscular atrophy 1; Charcot-Marie-Tooth disease axonal type 2S. Last evaluated: 2024-03-20. Review status: criteria provided, single submitter. Criteria: ACMG Guidelines, 2015. Collection method: clinical testing. Allele origin: germline.

Labcorp Genetics (formerly Invitae), Labcorp
Classification: Uncertain significance for Autosomal recessive distal spinal muscular atrophy 1; Charcot-Marie-Tooth disease axonal type 2S. Last evaluated: 2022-06-10. Review status: criteria provided, single submitter. Criteria: Invitae Variant Classification Sherloc (09022015). Collection method: clinical testing. Allele origin: germline.
Comment: This sequence change replaces glycine, which is neutral and non-polar, with arginine, which is basic and polar, at codon 61 of the IGHMBP2 protein (p.Gly61Arg). This variant is present in population databases (no rsID available, gnomAD 0.007%). This missense change has been observed in individual(s) with IGHMBP2-related conditions (Invitae). ClinVar contains an entry for this variant (Variation ID: 374170). Advanced modeling of protein sequence and biophysical properties (such as structural, functional, and spatial information, amino acid conservation, physicochemical variation, residue mobility, and thermodynamic stability) performed at Invitae indicates that this missense variant is expected to disrupt IGHMBP2 protein function. In summary, the available evidence is currently insufficient to determine the role of this variant in disease. Therefore, it has been classified as a Variant of Uncertain Significance.

NeuroMeGen, Hospital Clinico Santiago de Compostela
Classification: Likely pathogenic for Autosomal recessive distal spinal muscular atrophy 1. Last evaluated: 2018-10-08. Review status: criteria provided, single submitter. Criteria: ACMG Guidelines, 2015. Collection method: clinical testing. Allele origin: maternal. Affected: yes. Observed: 1 compound heterozygote.

Centre for Mendelian Genomics, University Medical Centre Ljubljana
Classification: Likely pathogenic for Gait disturbance; Hammertoe; Inability to walk; Lower limb muscle weakness; Progressive muscle weakness. Last evaluated: 2014-06-19. Review status: criteria provided, single submitter. Criteria: ACMG Guidelines, 2015. Collection method: clinical testing. Allele origin: unknown. Affected: yes.